The following is an entry in ClinVar:

NM_001122955.4(BSCL2):c.247G>A (p.Val83Ile)

Genes: BSCL2 (BSCL2 lipid droplet biogenesis associated, seipin; minus strand), HNRNPUL2-BSCL2 (HNRNPUL2-BSCL2 readthrough (NMD candidate); minus strand). Cytogenetic location: 11q12.3.
Variant type: single nucleotide variant.
Coding change: c.247G>A on transcript NM_001122955.4 (MANE Select); coding-DNA position 247, G replaced by A.
Protein change: p.Val83Ile; replaces valine 83 with isoleucine.
Molecular consequence: missense variant. On other transcripts: non-coding transcript variant (1).
Genome position (GRCh38, 1-based): chr11:62,705,458, C>T on the plus strand (G>A on the coding strand, the complement: BSCL2 is on the minus strand). VCF-style: chr11-62705458-C-T. GRCh37 (hg19) VCF-style: chr11-62472930-C-T.
Other names: c.55G>A, p.Val19Ile (NM_001130702.2, NM_032667.6); c.247G>A, p.Val83Ile (NM_001386027.1, NM_001386028.1); short protein forms V83I, V19I.
Identifiers: ClinVar variation 476813 (VCV000476813.13), dbSNP rs770641122, ClinGen allele CA6053633.

ClinVar aggregate classification (germline): Uncertain significance. Review status: criteria provided, multiple submitters, no conflicts (2 of 4 stars). 2 submissions from 2 submitters: Uncertain significance (2). Last evaluated 2025-09-05.

Conditions:
Inborn genetic diseases. Identifiers: MedGen C0950123, MeSH D030342.
Charcot-Marie-Tooth disease type 2. Also called: Charcot-Marie-Tooth type 2. Identifiers: Orphanet 64746, MedGen C0270914, MONDO:0018993.

Allele frequency attached by ClinVar (database versions not stated): gnomAD exomes 0.00001 and below 0.00001; ExAC 0.00001; TOPMed 0.00001.
gnomAD v4.1: 13 of 1,614,216 alleles (0.00081%); highest among the groups gnomAD compares: Non-Finnish European, 0.0011%; no homozygotes.

Submissions (2):

Ambry Genetics
Classification: Uncertain significance for Inborn genetic diseases. Last evaluated: 2025-09-05. Review status: criteria provided, single submitter. Criteria: Ambry Variant Classification Scheme 2023. Collection method: clinical testing. Allele origin: germline.

Labcorp Genetics (formerly Invitae), Labcorp
Classification: Uncertain significance for Charcot-Marie-Tooth disease type 2. Last evaluated: 2024-10-04. Review status: criteria provided, single submitter. Criteria: Invitae Variant Classification Sherloc (09022015). Collection method: clinical testing. Allele origin: germline.
Comment: This sequence change replaces valine, which is neutral and non-polar, with isoleucine, which is neutral and non-polar, at codon 19 of the BSCL2 protein (p.Val19Ile). This variant is present in population databases (rs770641122, gnomAD 0.002%). This missense change has been observed in individual(s) with Charcot-Marie-Tooth disease (PMID: 29336362). ClinVar contains an entry for this variant (Variation ID: 476813). Invitae Evidence Modeling of protein sequence and biophysical properties (such as structural, functional, and spatial information, amino acid conservation, physicochemical variation, residue mobility, and thermodynamic stability) indicates that this missense variant is not expected to disrupt BSCL2 protein function with a negative predictive value of 80%. In summary, the available evidence is currently insufficient to determine the role of this variant in disease. Therefore, it has been classified as a Variant of Uncertain Significance.

Literature cited by the submitters: PubMed 29336362 (cited by Labcorp Genetics (formerly Invitae), Labcorp).